The following is an entry in ClinVar:

ClinVar aggregate classification (germline): Pathogenic (1 of 4 stars; one submission).

Conditions:
RASopathy. Also called: rasopathies; Noonan spectrum disorder. Identifiers: Orphanet 536391, MedGen C5555857, MONDO:0021060.

Submission:

GeneDx
Classification: Pathogenic for Rasopathy. Last evaluated: 2012-06-01. Review status: criteria provided, single submitter. Criteria: GeneDx Variant Classification (06012015). Collection method: clinical testing. Allele origin: germline. Affected: yes.
Comment: The G434K missense mutation in the SOS1 gene is a non-conservative amino acid substitution that occurs within the highly conserved pleckstrin homology domains. The G434K missense mutation, has been reported previously in association with Noonan syndrome (Lepri et al., 2011). The G434K missense change reported by Lepri et al., was also produced by c.1300_1301delGGinsAA. Another missense mutation at this codon (G343R) has been reported in association with Noonan syndrome (Roberts et al., 2007) and has been seen previously at GeneDx. The variant is found in NOONAN panel(s).

NM_005633.4(SOS1):c.1300_1301delinsAA (p.Gly434Lys)

Gene: SOS1 (SOS Ras/Rac guanine nucleotide exchange factor 1; minus strand). Cytogenetic location: 2p22.1.
Variant type: Indel.
Coding change: c.1300_1301delinsAA on transcript NM_005633.4 (MANE Select); coding-DNA positions 1300 to 1301, GG replaced by AA.
Protein change: p.Gly434Lys; replaces glycine 434 with lysine.
Molecular consequence: missense variant.
Genome position (GRCh38, 1-based): chr2:39,023,127-39,023,128, CC replaced by TT on the plus strand (GG replaced by AA on the coding strand, the reverse complement: SOS1 is on the minus strand). VCF-style: chr2-39023127-CC-TT. GRCh37 (hg19) VCF-style: chr2-39250268-CC-TT.
Other names: p.G434K:GGA>AAA; c.1300_1301delGGinsAA (NM_005633.3); c.1279_1280delinsAA, p.Gly427Lys (NM_001382394.1); c.1300_1301delinsAA, p.Gly434Lys (NM_001382395.1); short protein forms G434K, G427K.
Identifiers: ClinVar variation 40671 (VCV000040671.1), dbSNP rs730881048, ClinGen allele CA297278.